The following is an entry in ClinVar:

ClinVar aggregate classification (germline): Conflicting classifications of pathogenicity. Review status: criteria provided, conflicting classifications (1 of 4 stars). 2 submissions from 2 submitters: Uncertain significance (1); Likely benign (1). Last evaluated 2023-11-14.

Conditions:
Familial focal epilepsy with variable foci (FPEVF). Identifiers: Orphanet 98820, MedGen C1858477, MONDO:0020310.

Allele frequency attached by ClinVar (database versions not stated): ExAC 0.00001; gnomAD 0.00001; gnomAD exomes 0.00001 and 0.00002.
gnomAD v4.1: 9 of 1,613,998 alleles (0.00056%); highest among the groups gnomAD compares: African/African-American, 0.0013%; no homozygotes.

Submissions (2):

GeneDx
Classification: Likely benign. Last evaluated: 2023-11-14. Review status: criteria provided, single submitter. Criteria: GeneDx Variant Classification Process June 2021. Collection method: clinical testing. Allele origin: germline. Affected: yes.
Comment: See Variant Classification Assertion Criteria.

Labcorp Genetics (formerly Invitae), Labcorp
Classification: Uncertain significance for Familial focal epilepsy with variable foci. Last evaluated: 2022-11-22. Review status: criteria provided, single submitter. Criteria: Invitae Variant Classification Sherloc (09022015). Collection method: clinical testing. Allele origin: germline.
Comment: This sequence change replaces arginine, which is basic and polar, with glycine, which is neutral and non-polar, at codon 574 of the DEPDC5 protein (p.Arg574Gly). This variant is present in population databases (rs762484005, gnomAD 0.004%). This variant has not been reported in the literature in individuals affected with DEPDC5-related conditions. ClinVar contains an entry for this variant (Variation ID: 662979). In summary, the available evidence is currently insufficient to determine the role of this variant in disease. Therefore, it has been classified as a Variant of Uncertain Significance. Algorithms developed to predict the effect of missense changes on protein structure and function are either unavailable or do not agree on the potential impact of this missense change (SIFT: "Tolerated"; PolyPhen-2: "Not Available"; Align-GVGD: "Class C0").

NM_001242896.3(DEPDC5):c.1720A>G (p.Arg574Gly)

Gene: DEPDC5 (DEP domain containing 5, GATOR1 subcomplex subunit; plus strand). Cytogenetic location: 22q12.3.
Variant type: single nucleotide variant.
Coding change: c.1720A>G on transcript NM_001242896.3 (MANE Select); coding-DNA position 1720, A replaced by G.
Protein change: p.Arg574Gly; replaces arginine 574 with glycine.
Molecular consequence: missense variant. On other transcripts: non-coding transcript variant (5).
Genome position (GRCh38, 1-based): chr22:31,819,075, A>G. VCF-style: chr22-31819075-A-G. GRCh37 (hg19) VCF-style: chr22-32215061-A-G.
Other names: c.1720A>G, p.Arg574Gly (NM_001136029.4, NM_001242897.2, NM_001363852.2 and 6 more transcripts); c.1636A>G, p.Arg546Gly (NM_001369901.1, NM_001369902.1); short protein forms R574G, R546G.
Identifiers: ClinVar variation 662979 (VCV000662979.12), dbSNP rs762484005, ClinGen allele CA10196452.